The following is an entry in ClinVar:

ClinVar aggregate classification (germline): Uncertain significance (1 of 4 stars; one submission).

Allele frequency attached by ClinVar (database versions not stated): ExAC 0.00001; gnomAD 0.00001; TOPMed 0.00005; ESP Exome Variant Server 0.00008.
gnomAD v4.1: 205 of 1,613,844 alleles (0.013%); highest among the groups gnomAD compares: Non-Finnish European, 0.017%; no homozygotes.

Submission:

Labcorp Genetics (formerly Invitae), Labcorp
Classification: Uncertain significance. Last evaluated: 2022-03-10. Review status: criteria provided, single submitter. Criteria: Invitae Variant Classification Sherloc (09022015). Collection method: clinical testing. Allele origin: germline.
Comment: This sequence change replaces arginine, which is basic and polar, with histidine, which is basic and polar, at codon 294 of the P3H2 protein (p.Arg294His). This variant is present in population databases (rs377087463, gnomAD 0.006%). This variant has not been reported in the literature in individuals affected with P3H2-related conditions. Algorithms developed to predict the effect of missense changes on protein structure and function (SIFT, PolyPhen-2, Align-GVGD) all suggest that this variant is likely to be tolerated. In summary, the available evidence is currently insufficient to determine the role of this variant in disease. Therefore, it has been classified as a Variant of Uncertain Significance.

NM_018192.4(P3H2):c.881G>A (p.Arg294His)

Gene: P3H2 (prolyl 3-hydroxylase 2; minus strand). Cytogenetic location: 3q28.
Variant type: single nucleotide variant.
Coding change: c.881G>A on transcript NM_018192.4 (MANE Select); coding-DNA position 881, G replaced by A.
Protein change: p.Arg294His; replaces arginine 294 with histidine.
Molecular consequence: missense variant.
Genome position (GRCh38, 1-based): chr3:189,988,981, C>T on the plus strand (G>A on the coding strand, the complement: P3H2 is on the minus strand). VCF-style: chr3-189988981-C-T. GRCh37 (hg19) VCF-style: chr3-189706770-C-T.
Other names: c.338G>A, p.Arg113His (NM_001134418.2); short protein forms R294H, R113H.
Identifiers: ClinVar variation 1508461 (VCV001508461.5), dbSNP rs377087463, ClinGen allele CA2753188.